The following is an entry in ClinVar:

NM_000145.4(FSHR):c.312G>A (p.Lys104=)

Gene: FSHR (follicle stimulating hormone receptor; minus strand). Cytogenetic location: 2p16.3.
Variant type: single nucleotide variant.
Coding change: c.312G>A on transcript NM_000145.4 (MANE Select); coding-DNA position 312, G replaced by A.
Protein change: p.Lys104=; no amino-acid change (lysine 104 retained).
Molecular consequence: synonymous variant.
Genome position (GRCh38, 1-based): chr2:49,017,551, C>T on the plus strand (G>A on the coding strand, the complement: FSHR is on the minus strand). VCF-style: chr2-49017551-C-T. GRCh37 (hg19) VCF-style: chr2-49244690-C-T.
Other names: c.312G>A, p.Lys104= (NM_181446.3); c.312G>A (NM_000145.3).
Identifiers: ClinVar variation 290278 (VCV000290278.7), dbSNP rs147355964, ClinGen allele CA1654020.
Genomic context (GRCh38, chr2:49,017,551, plus strand): 5'-ATATTGAAGGTTGGGAAGGTTCTGGAAGGCCTCAGGGTTGATGTAGAGCAGGTTGTTGGC[C>T]TTTTCAATTCTACTGTAAAAGAAGAAAAAACATGCTAGTGATCTTGATGGTAAGGAATGC-3'
Protein context (NP_000136.2, residues 94-114): LPKLHEIRIE[Lys104=]ANNLLYINPE

ClinVar aggregate classification (germline): Uncertain significance. Review status: criteria provided, single submitter (1 of 4 stars). 2 submissions from 2 submitters: Uncertain significance (1). 1 of the submissions does not count toward it. Last evaluated 2016-08-12.

Conditions:
FSHR-related disorder. Also called: FSHR-related disorders; FSHR-related condition.

Allele frequency attached by ClinVar (database versions not stated): gnomAD exomes 0.00001 and 0.00002; ExAC 0.00002; 1000 Genomes Project 30x 0.00016; gnomAD 0.00017 and 0.00018; TOPMed 0.00022; ESP Exome Variant Server 0.00023.
gnomAD v4.1: 44 of 1,612,920 alleles (0.0027%); highest among the groups gnomAD compares: African/African-American, 0.056%; no homozygotes.

Submissions (2):

Eurofins Ntd Llc (ga)
Classification: Uncertain significance. Last evaluated: 2016-08-12. Review status: criteria provided, single submitter. Criteria: EGL Classification Definitions 2015. Collection method: clinical testing. Allele origin: germline. Observed: 1 variant allele, 1 heterozygote.

PreventionGenetics, part of Exact Sciences
Classification: Likely benign for FSHR-related condition. Last evaluated: 2019-06-03. Review status: no assertion criteria provided. Collection method: clinical testing. Allele origin: germline. Not counted in ClinVar's aggregate classification.
Comment: This variant is classified as likely benign based on ACMG/AMP sequence variant interpretation guidelines (Richards et al. 2015 PMID: 25741868, with internal and published modifications).